The following is an entry in ClinVar:

ClinVar aggregate classification (germline): Uncertain significance. Review status: criteria provided, single submitter (1 of 4 stars). 2 submissions from 2 submitters: Uncertain significance (1). 1 of the submissions does not count toward it. Last evaluated 2023-11-30.

Conditions:
Alstrom syndrome (ALMS). Identifiers: Orphanet 64, MedGen C0268425, MONDO:0008763, OMIM 203800.

Allele frequency attached by ClinVar (database versions not stated): gnomAD 0.00001.
gnomAD v4.1: 8 of 1,614,036 alleles (0.0005%); highest among the groups gnomAD compares: African/African-American, 0.004%; no homozygotes.

Submissions (2):

GeneDx
Classification: Uncertain significance. Last evaluated: 2023-11-30. Review status: criteria provided, single submitter. Criteria: GeneDx Variant Classification Process June 2021. Collection method: clinical testing. Allele origin: germline. Affected: yes.
Comment: Has not been previously published as pathogenic or benign to our knowledge; Not observed at significant frequency in large population cohorts (gnomAD); In silico analysis supports that this missense variant does not alter protein structure/function

Natera, Inc.
Classification: Uncertain significance for Alstrom syndrome. Last evaluated: 2020-08-27. Review status: no assertion criteria provided. Collection method: clinical testing. Allele origin: germline. Not counted in ClinVar's aggregate classification.

NM_001378454.1(ALMS1):c.8673C>A (p.Ser2891Arg)

Gene: ALMS1 (ALMS1 centrosome and basal body associated protein; plus strand). Cytogenetic location: 2p13.1.
Variant type: single nucleotide variant.
Coding change: c.8673C>A on transcript NM_001378454.1 (MANE Select); coding-DNA position 8673, C replaced by A.
Protein change: p.Ser2891Arg; replaces serine 2891 with arginine.
Molecular consequence: missense variant.
Genome position (GRCh38, 1-based): chr2:73,490,632, C>A. VCF-style: chr2-73490632-C-A. GRCh37 (hg19) VCF-style: chr2-73717759-C-A.
Other names: c.8676C>A, p.Ser2892Arg (NM_015120.4); short protein forms S2892R, S2891R.
Identifiers: ClinVar variation 392071 (VCV000392071.5), dbSNP rs755823751, ClinGen allele CA16604385.
Genomic context (GRCh38, chr2:73,490,632, plus strand): 5'-TATAACTCCAGATCTTCCTTCTTGCATTTTTCTTGAACAACGAGAGCTCTTTGAACAAAG[C>A]AAAGCCCCACGTGCAGATGACCATGTGAGGAAACACCATTCTCCCTCTCCTCAACATCAG-3'
Protein context (NP_001365383.1, residues 2881-2901): FLEQRELFEQ[Ser2891Arg]KAPRADDHVR